The following is an entry in ClinVar:

NC_000001.10:g.(?_103544194)_(103573734_?)dup

Gene: COL11A1 (collagen type XI alpha 1 chain; minus strand). Cytogenetic location: 1p21.1.
Variant type: Duplication.
Identifiers: ClinVar variation 2424282 (VCV002424282.4).

ClinVar aggregate classification (germline): Uncertain significance (1 of 4 stars; one submission).

Submission:

Labcorp Genetics (formerly Invitae), Labcorp
Classification: Uncertain significance. Last evaluated: 2022-04-07. Review status: criteria provided, single submitter. Criteria: Invitae Variant Classification Sherloc (09022015). Collection method: clinical testing. Allele origin: germline.
Comment: This variant results in a copy number gain of the genomic region encompassing exon(s) 1-3 of the COL11A1 gene. This region includes the initiator codon of the gene. This copy number gain extends beyond the assayed region for this gene and therefore may encompass additional genes. As the precise location of this event is unknown, it may be in tandem or it may be located elsewhere in the genome. This variant has not been reported in the literature in individuals affected with COL11A1-related conditions. In summary, the available evidence is currently insufficient to determine the role of this variant in disease. Therefore, it has been classified as a Variant of Uncertain Significance.